The following is an entry in ClinVar:

ClinVar aggregate classification (germline): Uncertain significance (1 of 4 stars; one submission).

Conditions:
MYH14-related disorder. Also called: MYH14-related condition.

gnomAD v4.1: 42 of 1,551,380 alleles (0.0027%); highest among the groups gnomAD compares: South Asian, 0.015%; no homozygotes.

Submission:

PreventionGenetics, part of Exact Sciences
Classification: Uncertain significance for MYH14-related condition. Last evaluated: 2026-07-27. Review status: criteria provided, single submitter. Criteria: ACMG Guidelines, 2015. Collection method: clinical testing. Allele origin: germline.
Comment: The MYH14 c.4190G>A variant is predicted to result in the amino acid substitution p.Arg1397Gln. To our knowledge, this variant has not been reported in the literature. This variant is reported in 0.0088% of alleles in individuals of South Asian descent in gnomAD. At this time, the clinical significance of this variant is uncertain due to the absence of conclusive functional and genetic evidence.

NM_001145809.2(MYH14):c.4190G>A (p.Arg1397Gln)

Gene: MYH14 (myosin heavy chain 14; plus strand). Cytogenetic location: 19q13.33.
Variant type: single nucleotide variant.
Coding change: c.4190G>A on transcript NM_001145809.2 (MANE Select); coding-DNA position 4190, G replaced by A.
Protein change: p.Arg1397Gln; replaces arginine 1397 with glutamine.
Molecular consequence: missense variant.
Genome position (GRCh38, 1-based): chr19:50,280,283, G>A. VCF-style: chr19-50280283-G-A. GRCh37 (hg19) VCF-style: chr19-50783540-G-A.
Other names: c.4091G>A, p.Arg1364Gln (NM_001077186.2); c.4067G>A, p.Arg1356Gln (NM_024729.4); short protein forms R1356Q, R1397Q, R1364Q.
Identifiers: ClinVar variation 4984931 (VCV004984931.1).